The following is an entry in ClinVar:

ClinVar aggregate classification (germline): Pathogenic (1 of 4 stars; one submission).

Conditions:
Capillary malformation-arteriovenous malformation syndrome. Also called: Capillary malformation-arteriovenous malformation. Identifiers: Orphanet 137667, MedGen C1842180, MONDO:0012016.

Submission:

Labcorp Genetics (formerly Invitae), Labcorp
Classification: Pathogenic for Capillary malformation-arteriovenous malformation syndrome. Last evaluated: 2022-11-15. Review status: criteria provided, single submitter. Criteria: Invitae Variant Classification Sherloc (09022015). Collection method: clinical testing. Allele origin: germline.
Comment: This sequence change creates a premature translational stop signal (p.Leu519*) in the RASA1 gene. It is expected to result in an absent or disrupted protein product. Loss-of-function variants in RASA1 are known to be pathogenic (PMID: 24038909). This variant is not present in population databases (gnomAD no frequency). This variant has not been reported in the literature in individuals affected with RASA1-related conditions. For these reasons, this variant has been classified as Pathogenic.

Literature cited by the submitters: PubMed 24038909.

NM_002890.3(RASA1):c.1556T>G (p.Leu519Ter)

Genes: CCNH (cyclin H; minus strand), RASA1 (RAS p21 protein activator 1; plus strand). Cytogenetic location: 5q14.3.
Variant type: single nucleotide variant.
Coding change: c.1556T>G on transcript NM_002890.3 (MANE Select); coding-DNA position 1556, T replaced by G.
Protein change: p.Leu519Ter; replaces leucine 519 with a stop codon.
Molecular consequence: nonsense. On other transcripts: intron variant (1).
Genome position (GRCh38, 1-based): chr5:87,363,450, T>G. VCF-style: chr5-87363450-T-G. GRCh37 (hg19) VCF-style: chr5-86659267-T-G.
Other names: c.1025T>G, p.Leu342Ter (NM_022650.3); c.933+31594A>C (NM_001364075.2); short protein forms L519*, L342*.
Identifiers: ClinVar variation 2814367 (VCV002814367.3), dbSNP rs2531304808, ClinGen allele CA360369506.